The following is an entry in ClinVar:

ClinVar aggregate classification (germline): Likely benign. Review status: criteria provided, multiple submitters, no conflicts (2 of 4 stars). 3 submissions from 3 submitters: Likely benign (3). Last evaluated 2024-01-25.

Conditions:
Hereditary cancer-predisposing syndrome. Also called: Tumor predisposition; Hereditary neoplastic syndrome; Neoplastic Syndromes, Hereditary; Hereditary Cancer Syndrome. Identifiers: Orphanet 140162, MedGen C0027672, MeSH D009386, MONDO:0015356.

Allele frequency attached by ClinVar (database versions not stated): gnomAD exomes below 0.00001 and 0.00001; gnomAD 0.00001; TOPMed 0.00001.
gnomAD v4.1: 15 of 1,614,008 alleles (0.00093%); highest among the groups gnomAD compares: Admixed American, 0.0017%; no homozygotes.

Submissions (3):

Labcorp Genetics (formerly Invitae), Labcorp
Classification: Likely benign. Last evaluated: 2024-01-25. Review status: criteria provided, single submitter. Criteria: Invitae Variant Classification Sherloc (09022015). Collection method: clinical testing. Allele origin: germline.

GeneDx
Classification: Likely benign. Last evaluated: 2017-08-11. Review status: criteria provided, single submitter. Criteria: GeneDx Variant Classification (06012015). Collection method: clinical testing. Allele origin: germline. Affected: yes.
Comment: This variant is considered likely benign or benign based on one or more of the following criteria: it is a conservative change, it occurs at a poorly conserved position in the protein, it is predicted to be benign by multiple in silico algorithms, and/or has population frequency not consistent with disease.

Ambry Genetics
Classification: Likely benign for Hereditary cancer-predisposing syndrome. Last evaluated: 2017-03-10. Review status: criteria provided, single submitter. Criteria: Ambry Variant Classification Scheme 2023. Collection method: clinical testing. Allele origin: germline.

NM_005431.2(XRCC2):c.432C>T (p.Cys144=)

Gene: XRCC2 (X-ray repair cross complementing 2; minus strand). Cytogenetic location: 7q36.1.
Variant type: single nucleotide variant.
Coding change: c.432C>T on transcript NM_005431.2 (MANE Select); coding-DNA position 432, C replaced by T.
Protein change: p.Cys144=; no amino-acid change (cysteine 144 retained).
Molecular consequence: synonymous variant.
Genome position (GRCh38, 1-based): chr7:152,649,053, G>A on the plus strand (C>T on the coding strand, the complement: XRCC2 is on the minus strand). VCF-style: chr7-152649053-G-A. GRCh37 (hg19) VCF-style: chr7-152346138-G-A.
Identifiers: ClinVar variation 516853 (VCV000516853.14), dbSNP rs1290130026, ClinGen allele CA458895417.